The following is an entry in ClinVar:

ClinVar aggregate classification (germline): Uncertain significance (1 of 4 stars; one submission).

Allele frequency attached by ClinVar (database versions not stated): ExAC 0.00002; gnomAD exomes below 0.00001 and 0.00001.
gnomAD v4.1: 4 of 1,500,652 alleles (0.00027%); highest among the groups gnomAD compares: Non-Finnish European, 0.00037%; no homozygotes.

Submission:

Labcorp Genetics (formerly Invitae), Labcorp
Classification: Uncertain significance. Last evaluated: 2022-11-22. Review status: criteria provided, single submitter. Criteria: Invitae Variant Classification Sherloc (09022015). Collection method: clinical testing. Allele origin: germline.
Comment: In summary, the available evidence is currently insufficient to determine the role of this variant in disease. Therefore, it has been classified as a Variant of Uncertain Significance. Variants that disrupt the consensus splice site are a relatively common cause of aberrant splicing (PMID: 17576681, 9536098). Algorithms developed to predict the effect of sequence changes on RNA splicing suggest that this variant is not likely to affect RNA splicing. ClinVar contains an entry for this variant (Variation ID: 1681012). This variant has not been reported in the literature in individuals affected with EPRS-related conditions. This variant is present in population databases (rs758906709, gnomAD 0.002%). This sequence change falls in intron 3 of the EPRS gene. It does not directly change the encoded amino acid sequence of the EPRS protein. It affects a nucleotide within the consensus splice site.

Literature cited by the submitters: PubMed 17576681; PubMed 9536098.

NM_004446.3(EPRS1):c.231+6C>T

Gene: EPRS1 (glutamyl-prolyl-tRNA synthetase 1; minus strand). Cytogenetic location: 1q41.
Variant type: single nucleotide variant.
Coding change: c.231+6C>T on transcript NM_004446.3 (MANE Select); 6 bases into the intron after coding-DNA position 231, C replaced by T.
Molecular consequence: intron variant.
Genome position (GRCh38, 1-based): chr1:220,034,908, G>A on the plus strand (C>T on the coding strand, the complement: EPRS1 is on the minus strand). VCF-style: chr1-220034908-G-A. GRCh37 (hg19) VCF-style: chr1-220208250-G-A.
Identifiers: ClinVar variation 1681012 (VCV001681012.6), dbSNP rs758906709, ClinGen allele CA1400600.